The following is an entry in ClinVar:

NM_005612.5(REST):c.2287A>G (p.Ile763Val)

Gene: REST (RE1 silencing transcription factor; plus strand). Cytogenetic location: 4q12.
Variant type: single nucleotide variant.
Coding change: c.2287A>G on transcript NM_005612.5 (MANE Select); coding-DNA position 2287, A replaced by G.
Protein change: p.Ile763Val; replaces isoleucine 763 with valine.
Molecular consequence: missense variant.
Genome position (GRCh38, 1-based): chr4:56,931,145, A>G. VCF-style: chr4-56931145-A-G. GRCh37 (hg19) VCF-style: chr4-57797311-A-G.
Other names: c.2287A>G, p.Ile763Val (NM_001193508.2, NM_001363453.3); short protein forms I763V.
Identifiers: ClinVar variation 1089088 (VCV001089088.12), dbSNP rs555145007, ClinGen allele CA2932449.

ClinVar aggregate classification (germline): Likely benign. Review status: criteria provided, multiple submitters, no conflicts (2 of 4 stars). 3 submissions from 3 submitters: Likely benign (2). 1 of the submissions does not count toward it. Last evaluated 2025-05-27.

Conditions:
REST-related disorder. Also called: REST-related condition.

Allele frequency attached by ClinVar (database versions not stated): gnomAD 0.00004; gnomAD exomes 0.00006 and 0.00021; TOPMed 0.00006; ExAC 0.00026; 1000 Genomes Project 0.00040; 1000 Genomes Project 30x 0.00047.
gnomAD v4.1: 96 of 1,607,966 alleles (0.006%); highest among the groups gnomAD compares: East Asian, 0.19%; no homozygotes.

Submissions (3):

Labcorp Genetics (formerly Invitae), Labcorp
Classification: Likely benign. Last evaluated: 2025-05-27. Review status: criteria provided, single submitter. Criteria: Invitae Variant Classification Sherloc (09022015). Collection method: clinical testing. Allele origin: germline.

Blueprint Genetics
Classification: Likely benign. Last evaluated: 2022-12-01. Review status: criteria provided, single submitter. Criteria: ACMG Guidelines, 2015. Collection method: clinical testing. Allele origin: germline.

PreventionGenetics, part of Exact Sciences
Classification: Likely benign for REST-related condition. Last evaluated: 2024-07-15. Review status: no assertion criteria provided. Collection method: clinical testing. Allele origin: germline. Not counted in ClinVar's aggregate classification.
Comment: This variant is classified as likely benign based on ACMG/AMP sequence variant interpretation guidelines (Richards et al. 2015 PMID: 25741868, with internal and published modifications).